The following is an entry in ClinVar:

ClinVar aggregate classification (germline): Uncertain significance (1 of 4 stars; one submission).

Submission:

Labcorp Genetics (formerly Invitae), Labcorp
Classification: Uncertain significance. Last evaluated: 2022-09-20. Review status: criteria provided, single submitter. Criteria: Invitae Variant Classification Sherloc (09022015). Collection method: clinical testing. Allele origin: germline.
Comment: Information on the frequency of this variant in the gnomAD database is not available, as this variant may be reported differently in the database. This sequence change replaces aspartic acid, which is acidic and polar, with asparagine, which is neutral and polar, at codon 1937 of the VCAN protein (p.Asp1937Asn). This variant has not been reported in the literature in individuals affected with VCAN-related conditions. Experimental studies and prediction algorithms are not available or were not evaluated, and the functional significance of this variant is currently unknown. In summary, the available evidence is currently insufficient to determine the role of this variant in disease. Therefore, it has been classified as a Variant of Uncertain Significance.

NM_004385.5(VCAN):c.5808_5809inv (p.Asp1937Asn)

Genes: VCAN (versican; plus strand), VCAN-AS1 (VCAN antisense RNA 1; minus strand). Cytogenetic location: 5q14.3.
Variant type: Inversion.
Coding change: c.5808_5809inv on transcript NM_004385.5 (MANE Select).
Protein change: p.Asp1937Asn; replaces aspartic acid 1937 with asparagine.
Molecular consequence: missense variant. On other transcripts: intron variant (2).
Genome position: GRCh38 VCF-style: chr5-83538811-TG-CA. GRCh37 (hg19) VCF-style: chr5-82834630-TG-CA.
Other names: c.2847_2848inv, p.Asp950Asn (NM_001164097.2); c.4004-6726_4004-6725inv (NM_001164098.2); c.1043-6726_1043-6725inv (NM_001126336.3); short protein forms D950N, D1937N.
Identifiers: ClinVar variation 1906568 (VCV001906568.5), ClinGen allele CA2580073675.